The following is an entry in ClinVar:

ClinVar aggregate classification (germline): Likely benign (0 of 4 stars; one submission).

Conditions:
PRDM9-related disorder. Also called: PRDM9-related condition.

Allele frequency attached by ClinVar (database versions not stated): ExAC 0.00056; 1000 Genomes Project 0.09824; gnomAD 0.00978.

Submission:

PreventionGenetics, part of Exact Sciences
Classification: Likely benign for PRDM9-related condition. Last evaluated: 2022-08-17. Review status: no assertion criteria provided. Collection method: clinical testing. Allele origin: germline.
Comment: This variant is classified as likely benign based on ACMG/AMP sequence variant interpretation guidelines (Richards et al. 2015 PMID: 25741868, with internal and published modifications).

NM_020227.4(PRDM9):c.2126C>G (p.Thr709Ser)

Gene: PRDM9 (PR/SET domain 9; plus strand). Cytogenetic location: 5p14.2.
Variant type: single nucleotide variant.
Coding change: c.2126C>G on transcript NM_020227.4 (MANE Select); coding-DNA position 2126, C replaced by G.
Protein change: p.Thr709Ser; replaces threonine 709 with serine.
Molecular consequence: missense variant.
Genome position (GRCh38, 1-based): chr5:23,527,214, C>G. VCF-style: chr5-23527214-C-G. GRCh37 (hg19) VCF-style: chr5-23527323-C-G.
Other names: c.2126C>G, p.Thr709Ser (NM_001310214.3, NM_001376900.1); short protein forms T709S.
Identifiers: ClinVar variation 3039250 (VCV003039250.2), dbSNP rs200539936, ClinGen allele CA3215018.